The following is an entry in ClinVar:

NM_000535.7(PMS2):c.2041C>A (p.Gln681Lys)

Gene: PMS2 (PMS1 homolog 2, mismatch repair system component; minus strand). Cytogenetic location: 7p22.1.
Variant type: single nucleotide variant.
Coding change: c.2041C>A on transcript NM_000535.7 (MANE Select); coding-DNA position 2041, C replaced by A.
Protein change: p.Gln681Lys; replaces glutamine 681 with lysine.
Molecular consequence: missense variant. On other transcripts: non-coding transcript variant (1).
Genome position (GRCh38, 1-based): chr7:5,982,957, G>T on the plus strand (C>A on the coding strand, the complement: PMS2 is on the minus strand). VCF-style: chr7-5982957-G-T. GRCh37 (hg19) VCF-style: chr7-6022588-G-T.
Other names: c.1567C>A, p.Gln523Lys (NM_001406902.1, NM_001406901.1); c.1528C>A, p.Gln510Lys (NM_001406904.1, NM_001406905.1); c.1480C>A, p.Gln494Lys (NM_001406906.1, NM_001406907.1, NM_001322010.2); c.1468C>A, p.Gln490Lys (NM_001406909.1, NM_001322013.2); c.1270C>A, p.Gln424Lys (NM_001406911.1); c.838C>A, p.Gln280Lys (NM_001406912.1); c.1636C>A, p.Gln546Lys (NM_001018040.1, NM_001322003.2, NM_001322004.2 and 15 more transcripts); c.1885C>A, p.Gln629Lys (NM_001322006.2, NM_001406870.1); and 13 more; short protein forms Q424K, Q490K, Q546K, Q615K, Q625K, Q681K, Q510K, Q575K.
Identifiers: ClinVar variation 2124447 (VCV002124447.6), dbSNP rs1782465728, ClinGen allele CA366738124.
Genomic context (GRCh38, chr7:5,982,957, plus strand): 5'-GCTGGTCCACTATGAAGATATCCTCATTCAGTTTGGTTATTATAAATCCCAGGTTAAACT[G>T]ACCAATGATTTCCATTTCTGCAAACATCGTTTTACTGCAGGTAGAAAATGTTAATTATCA-3'
Protein context (NP_000526.2, residues 671-691): TMFAEMEIIG[Gln681Lys]FNLGFIITKL

ClinVar aggregate classification (germline): Uncertain significance. Review status: criteria provided, multiple submitters, no conflicts (2 of 4 stars). 3 submissions from 3 submitters: Uncertain significance (3). Last evaluated 2025-02-14.

Conditions:
Hereditary cancer-predisposing syndrome. Also called: Hereditary Cancer Syndrome; Tumor predisposition; Neoplastic Syndromes, Hereditary; Hereditary neoplastic syndrome. Identifiers: Orphanet 140162, MedGen C0027672, MeSH D009386, MONDO:0015356.
Hereditary nonpolyposis colorectal neoplasms. Identifiers: MedGen C0009405, MeSH D003123.
Lynch syndrome 4 (LYNCH4). Also called: Hereditary non-polyposis colorectal cancer, type 4; Colorectal cancer, hereditary nonpolyposis, type 4. Identifiers: Orphanet 144, MedGen C1838333, MONDO:0013699, OMIM 614337. Disease mechanism: loss of function.

Submissions (3):

Ambry Genetics
Classification: Uncertain significance for Hereditary cancer-predisposing syndrome. Last evaluated: 2025-02-14. Review status: criteria provided, single submitter. Criteria: Ambry Variant Classification Scheme 2023. Collection method: clinical testing. Allele origin: germline.
Comment: The p.Q681K variant (also known as c.2041C>A), located in coding exon 12 of the PMS2 gene, results from a C to A substitution at nucleotide position 2041. The glutamine at codon 681 is replaced by lysine, an amino acid with similar properties. This amino acid position is conserved. In addition, this alteration is predicted to be deleterious by in silico analysis. Based on the available evidence, the clinical significance of this variant remains unclear.

Baylor Genetics
Classification: Uncertain significance for Lynch syndrome 4. Last evaluated: 2024-02-20. Review status: criteria provided, single submitter. Criteria: ACMG Guidelines, 2015. Collection method: clinical testing. Allele origin: unknown.

Labcorp Genetics (formerly Invitae), Labcorp
Classification: Uncertain significance for Hereditary nonpolyposis colorectal neoplasms. Last evaluated: 2023-06-27. Review status: criteria provided, single submitter. Criteria: Invitae Variant Classification Sherloc (09022015). Collection method: clinical testing. Allele origin: germline.
Comment: In summary, the available evidence is currently insufficient to determine the role of this variant in disease. Therefore, it has been classified as a Variant of Uncertain Significance. Algorithms developed to predict the effect of sequence changes on RNA splicing suggest that this variant may create or strengthen a splice site. Advanced modeling of protein sequence and biophysical properties (such as structural, functional, and spatial information, amino acid conservation, physicochemical variation, residue mobility, and thermodynamic stability) performed at Invitae indicates that this missense variant is expected to disrupt PMS2 protein function. ClinVar contains an entry for this variant (Variation ID: 2124447). This variant has not been reported in the literature in individuals affected with PMS2-related conditions. The frequency data for this variant in the population databases (gnomAD) is considered unreliable due to the presence of homologous sequence, such as pseudogenes or paralogs, in the genome. This sequence change replaces glutamine, which is neutral and polar, with lysine, which is basic and polar, at codon 681 of the PMS2 protein (p.Gln681Lys).